The following is an entry in ClinVar:

NM_023110.3(FGFR1):c.1630A>G (p.Ile544Val)

Gene: FGFR1 (fibroblast growth factor receptor 1; minus strand). Cytogenetic location: 8p11.23.
Variant type: single nucleotide variant.
Coding change: c.1630A>G on transcript NM_023110.3 (MANE Select); coding-DNA position 1630, A replaced by G.
Protein change: p.Ile544Val; replaces isoleucine 544 with valine.
Molecular consequence: missense variant.
Genome position (GRCh38, 1-based): chr8:38,417,339, T>C on the plus strand (A>G on the coding strand, the complement: FGFR1 is on the minus strand). VCF-style: chr8-38417339-T-C. GRCh37 (hg19) VCF-style: chr8-38274857-T-C.
Other names: c.1624A>G, p.Ile542Val (NM_001174063.2, NM_001174065.2, NM_001354367.2 and 1 more transcripts); c.1600A>G, p.Ile534Val (NM_001174064.2); c.1363A>G, p.Ile455Val (NM_001174066.2, NM_023105.3); c.1723A>G, p.Ile575Val (NM_001174067.2); c.1351A>G, p.Ile451Val (NM_001354368.2); c.1618A>G, p.Ile540Val (NM_001354369.2, NM_001410922.1); c.1357A>G, p.Ile453Val (NM_001354370.2, NM_023106.3); short protein forms I451V, I453V, I455V, I534V, I540V, I542V, I544V, I575V.
Identifiers: ClinVar variation 4530550 (VCV004530550.1).

ClinVar aggregate classification (somatic clinical impact): Tier I - Strong (1 of 4 stars; one submission).

Conditions:
Pilocytic astrocytoma. Also called: Pilocytic astrocytoma, somatic. Identifiers: Orphanet 251612, MedGen C0334583, MONDO:0016691, HP:0033680.

Submission:

Institute for Genomic Medicine (IGM) Clinical Laboratory, Nationwide Children's Hospital
Classification: Tier I - Strong for Pilocytic astrocytoma. Assertion type: diagnostic. Clinical significance: supports diagnosis. Last evaluated: 2023-12-22. Review status: criteria provided, single submitter. Criteria: AMP/ASCO/CAP Guidelines, 2017. Collection method: clinical testing. Allele origin: somatic. Affected: yes.
Comment: Variant has Tier I (strong) clinical significance as a diagnostic inclusion criterion in pilocytic astrocytoma, based on the following evidence: 1) Appears in one or more well-established professional guidelines (e.g., World Health Organization [WHO]; National Comprehensive Cancer Network [NCCN]) as providing diagnostic, prognostic, or therapeutic information. 2) Information in the literature supports potential biologic effect of variant (PMID: 28166054). 3) Diagnostic for a specific tumor type/classification according to professional guidelines (Evidence Level A; PMIDs: 23583981, 23817572, 27577993, 27701736, 32059187, 33352931, 35018490).

Literature cited by the submitters: PubMed 28166054; PubMed 23583981; PubMed 23817572; PubMed 27577993; PubMed 27701736; PubMed 32059187; PubMed 33352931; PubMed 35018490.